The following is an entry in ClinVar:

NM_003055.3(SLC18A3):c.604G>T (p.Asp202Tyr)

Genes: CHAT (choline O-acetyltransferase; plus strand), SLC18A3 (solute carrier family 18 member A3; plus strand). Cytogenetic location: 10q11.23.
Variant type: single nucleotide variant.
Coding change: c.604G>T on transcript NM_003055.3 (MANE Select); coding-DNA position 604, G replaced by T.
Protein change: p.Asp202Tyr; replaces aspartic acid 202 with tyrosine.
Molecular consequence: missense variant. On other transcripts: intron variant (1).
Genome position (GRCh38, 1-based): chr10:49,611,344, G>T. VCF-style: chr10-49611344-G-T. GRCh37 (hg19) VCF-style: chr10-50819390-G-T.
Other names: c.-69+2145G>T (NM_020984.4); short protein forms D202Y.
Identifiers: ClinVar variation 2121337 (VCV002121337.4), dbSNP rs1350019805, ClinGen allele CA376719663.
Genomic context (GRCh38, chr10:49,611,344, plus strand): 5'-CGCAGCCTGCAGGGCCTGGGCTCAGCCTTCGCCGACACGTCTGGCATAGCCATGATCGCC[G>T]ATAAGTACCCGGAGGAGCCGGAGCGCAGTCGTGCACTGGGCGTGGCGCTGGCCTTCATTA-3'
Protein context (NP_003046.2, residues 192-212): ADTSGIAMIA[Asp202Tyr]KYPEEPERSR

ClinVar aggregate classification (germline): Uncertain significance (1 of 4 stars; one submission).

Submission:

Labcorp Genetics (formerly Invitae), Labcorp
Classification: Uncertain significance. Last evaluated: 2022-04-04. Review status: criteria provided, single submitter. Criteria: Invitae Variant Classification Sherloc (09022015). Collection method: clinical testing. Allele origin: germline.
Comment: This sequence change replaces aspartic acid, which is acidic and polar, with tyrosine, which is neutral and polar, at codon 202 of the SLC18A3 protein (p.Asp202Tyr). This variant is not present in population databases (gnomAD no frequency). This variant has not been reported in the literature in individuals affected with SLC18A3-related conditions. Algorithms developed to predict the effect of missense changes on protein structure and function (SIFT, PolyPhen-2, Align-GVGD) all suggest that this variant is likely to be disruptive. In summary, the available evidence is currently insufficient to determine the role of this variant in disease. Therefore, it has been classified as a Variant of Uncertain Significance.